The following is an entry in ClinVar:

NM_000383.4(AIRE):c.1354G>A (p.Ala452Thr)

Gene: AIRE (autoimmune regulator; plus strand). Cytogenetic location: 21q22.3.
Variant type: single nucleotide variant.
Coding change: c.1354G>A on transcript NM_000383.4 (MANE Select); coding-DNA position 1354, G replaced by A.
Protein change: p.Ala452Thr; replaces alanine 452 with threonine.
Molecular consequence: missense variant.
Genome position (GRCh38, 1-based): chr21:44,293,864, G>A. VCF-style: chr21-44293864-G-A. GRCh37 (hg19) VCF-style: chr21-45713747-G-A.
Other names: short protein forms A452T.
Identifiers: ClinVar variation 1010530 (VCV001010530.8), dbSNP rs1480139411, ClinGen allele CA410425743.
Genomic context (GRCh38, chr21:44,293,864, plus strand): 5'-GCGCGTTGCGGGGTGTGCGGAGATGGTACGGACGTGCTGCGGTGTACTCACTGCGCCGCT[G>A]CCTTCCACTGGCGCTGCCACTTCCCAGCCGGCACCTCCCGGCCCGGGTGAGTGAGCGTGG-3'
Protein context (NP_000374.1, residues 442-462): DVLRCTHCAA[Ala452Thr]FHWRCHFPAG

ClinVar aggregate classification (germline): Uncertain significance (1 of 4 stars; one submission).

Conditions:
Polyglandular autoimmune syndrome, type 1 (APS1). Also called: APS I; Autoimmune polyendocrinopathy syndrome, type I; Whitaker syndrome; AUTOIMMUNE POLYENDOCRINE SYNDROME, TYPE I, WITH OR WITHOUT REVERSIBLE METAPHYSEAL DYSPLASIA; Autoimmune polyendocrine syndrome type 1; HYPOADRENOCORTICISM WITH HYPOPARATHYROIDISM AND SUPERFICIAL MONILIASIS. Identifiers: Orphanet 3453, MedGen C0085859, MONDO:0009411, OMIM 240300.

Allele frequency attached by ClinVar (database versions not stated): TOPMed 0.00001.

Submission:

Labcorp Genetics (formerly Invitae), Labcorp
Classification: Uncertain significance for Polyglandular autoimmune syndrome, type 1. Last evaluated: 2023-11-27. Review status: criteria provided, single submitter. Criteria: Invitae Variant Classification Sherloc (09022015). Collection method: clinical testing. Allele origin: germline.
Comment: This sequence change replaces alanine, which is neutral and non-polar, with threonine, which is neutral and polar, at codon 452 of the AIRE protein (p.Ala452Thr). This variant is not present in population databases (gnomAD no frequency). This variant has not been reported in the literature in individuals affected with AIRE-related conditions. ClinVar contains an entry for this variant (Variation ID: 1010530). Advanced modeling of protein sequence and biophysical properties (such as structural, functional, and spatial information, amino acid conservation, physicochemical variation, residue mobility, and thermodynamic stability) performed at Invitae indicates that this missense variant is not expected to disrupt AIRE protein function with a negative predictive value of 95%. In summary, the available evidence is currently insufficient to determine the role of this variant in disease. Therefore, it has been classified as a Variant of Uncertain Significance.